The following is an entry in ClinVar:

ClinVar aggregate classification (germline): Benign/Likely benign. Review status: criteria provided, multiple submitters, no conflicts (2 of 4 stars). 6 submissions from 6 submitters: Benign (5); Likely benign (1). Last evaluated 2026-02-03.

Conditions:
Netherton syndrome (NETH). Also called: NETHERTON DISEASE; ERYTHRODERMA, ICHTHYOSIFORM, WITH HYPOTRICHOSIS AND HYPER-IgE; COMEL-NETHERTON SYNDROME. Identifiers: Orphanet 634, MedGen C5574950, MONDO:0009735, OMIM 256500.
Ichthyosis linearis circumflexa. Identifiers: MedGen C0265962, MONDO:0043106, HP:0025810.

Allele frequency attached by ClinVar (database versions not stated): gnomAD 0.04717 and 0.04511; ExAC 0.04822; gnomAD exomes 0.04866 and 0.04088; 1000 Genomes Project 0.06689; ESP Exome Variant Server 0.03674; TOPMed 0.04556.
gnomAD v4.1: 66,663 of 1,610,056 alleles (4.1%); highest among the groups gnomAD compares: East Asian, 16%; 1,893 homozygotes.

Submissions (6):

Labcorp Genetics (formerly Invitae), Labcorp
Classification: Benign for Ichthyosis linearis circumflexa. Last evaluated: 2026-02-03. Review status: criteria provided, single submitter. Criteria: Invitae Variant Classification Sherloc (09022015). Collection method: clinical testing. Allele origin: germline.

Women's Health and Genetics/Laboratory Corporation of America, LabCorp
Classification: Benign. Last evaluated: 2026-01-08. Review status: criteria provided, single submitter. Criteria: LabCorp Variant Classification Summary - May 2015. Collection method: clinical testing. Allele origin: germline.

Blueprint Genetics
Classification: Likely benign. Last evaluated: 2024-11-26. Review status: criteria provided, single submitter. Criteria: ACMG Guidelines, 2015. Collection method: clinical testing. Allele origin: germline.

Illumina Laboratory Services, Illumina
Classification: Benign for Netherton syndrome. Last evaluated: 2018-01-12. Review status: criteria provided, single submitter. Criteria: ICSL Variant Classification Criteria 13 December 2019. Collection method: clinical testing. Allele origin: germline.
Comment: This variant was observed in the ICSL laboratory as part of a predisposition screen in an ostensibly healthy population. It had not been previously curated by ICSL or reported in the Human Gene Mutation Database (HGMD: prior to June 1st, 2018), and was therefore a candidate for classification through an automated scoring system. Utilizing variant allele frequency, disease prevalence and penetrance estimates, and inheritance mode, an automated score was calculated to assess if this variant is too frequent to cause the disease. Based on the score and internal cut-off values, a variant classified as benign is not then subjected to further curation. The score for this variant resulted in a classification of benign for this disease.

GeneDx
Classification: Benign. Last evaluated: 2015-03-03. Review status: criteria provided, single submitter. Criteria: GeneDx Variant Classification Process June 2021. Collection method: clinical testing. Allele origin: germline. Affected: yes.

PreventionGenetics, part of Exact Sciences
Classification: Benign. Review status: criteria provided, single submitter. Criteria: ACMG Guidelines, 2015. Collection method: clinical testing. Allele origin: germline.

NM_006846.4(SPINK5):c.209+15C>T

Gene: SPINK5 (serine peptidase inhibitor Kazal type 5; plus strand). Cytogenetic location: 5q32.
Variant type: single nucleotide variant.
Coding change: c.209+15C>T on transcript NM_006846.4 (MANE Select); 15 bases into the intron after coding-DNA position 209, C replaced by T.
Molecular consequence: intron variant.
Genome position (GRCh38, 1-based): chr5:148,070,465, C>T. VCF-style: chr5-148070465-C-T. GRCh37 (hg19) VCF-style: chr5-147450028-C-T.
Other names: c.209+15C>T (NM_001127698.2, NM_001127699.2).
Identifiers: ClinVar variation 260048 (VCV000260048.17), dbSNP rs3752677, ClinGen allele CA3495131.